The following is an entry in ClinVar:

ClinVar aggregate classification (germline): Uncertain significance (1 of 4 stars; one submission).

Allele frequency attached by ClinVar (database versions not stated): gnomAD exomes below 0.00001; TOPMed below 0.00001; gnomAD 0.00001.
gnomAD v4.1: 3 of 1,613,840 alleles (0.00019%); highest among the groups gnomAD compares: Non-Finnish European, 0.00025%; no homozygotes.

Submission:

Labcorp Genetics (formerly Invitae), Labcorp
Classification: Uncertain significance. Last evaluated: 2021-12-21. Review status: criteria provided, single submitter. Criteria: Invitae Variant Classification Sherloc (09022015). Collection method: clinical testing. Allele origin: germline.
Comment: In summary, the available evidence is currently insufficient to determine the role of this variant in disease. Therefore, it has been classified as a Variant of Uncertain Significance. Algorithms developed to predict the effect of missense changes on protein structure and function (SIFT, PolyPhen-2, Align-GVGD) all suggest that this variant is likely to be tolerated. This variant has not been reported in the literature in individuals affected with GALM-related conditions. This variant is not present in population databases (gnomAD no frequency). This sequence change replaces proline, which is neutral and non-polar, with leucine, which is neutral and non-polar, at codon 322 of the GALM protein (p.Pro322Leu).

NM_138801.3(GALM):c.965C>T (p.Pro322Leu)

Gene: GALM (galactose mutarotase; plus strand). Cytogenetic location: 2p22.1.
Variant type: single nucleotide variant.
Coding change: c.965C>T on transcript NM_138801.3 (MANE Select); coding-DNA position 965, C replaced by T.
Protein change: p.Pro322Leu; replaces proline 322 with leucine.
Molecular consequence: missense variant.
Genome position (GRCh38, 1-based): chr2:38,733,501, C>T. VCF-style: chr2-38733501-C-T. GRCh37 (hg19) VCF-style: chr2-38960643-C-T.
Other names: short protein forms P322L.
Identifiers: ClinVar variation 2417301 (VCV002417301.5), dbSNP rs1666647263, ClinGen allele CA346342312.